The following is an entry in ClinVar:

NM_021813.4(BACH2):c.1313G>A (p.Cys438Tyr)

Gene: BACH2 (BACH transcriptional regulator 2; minus strand). Cytogenetic location: 6q15.
Variant type: single nucleotide variant.
Coding change: c.1313G>A on transcript NM_021813.4 (MANE Select); coding-DNA position 1313, G replaced by A.
Protein change: p.Cys438Tyr; replaces cysteine 438 with tyrosine.
Molecular consequence: missense variant.
Genome position (GRCh38, 1-based): chr6:89,950,793, C>T on the plus strand (G>A on the coding strand, the complement: BACH2 is on the minus strand). VCF-style: chr6-89950793-C-T. GRCh37 (hg19) VCF-style: chr6-90660512-C-T.
Other names: c.1313G>A, p.Cys438Tyr (NM_001170794.2); short protein forms C438Y.
Identifiers: ClinVar variation 3700284 (VCV003700284.2).

ClinVar aggregate classification (germline): Uncertain significance (1 of 4 stars; one submission).

gnomAD v4.1: 3 of 1,614,068 alleles (0.00019%); highest among the groups gnomAD compares: African/African-American, 0.0027%; no homozygotes.

Submission:

Labcorp Genetics (formerly Invitae), Labcorp
Classification: Uncertain significance. Last evaluated: 2024-04-03. Review status: criteria provided, single submitter. Criteria: Invitae Variant Classification Sherloc (09022015). Collection method: clinical testing. Allele origin: germline.
Comment: This sequence change replaces cysteine, which is neutral and slightly polar, with tyrosine, which is neutral and polar, at codon 438 of the BACH2 protein (p.Cys438Tyr). This variant is present in population databases (no rsID available, gnomAD 0.008%). This variant has not been reported in the literature in individuals affected with BACH2-related conditions. Advanced modeling of protein sequence and biophysical properties (such as structural, functional, and spatial information, amino acid conservation, physicochemical variation, residue mobility, and thermodynamic stability) performed at Invitae indicates that this missense variant is not expected to disrupt BACH2 protein function with a negative predictive value of 80%. In summary, the available evidence is currently insufficient to determine the role of this variant in disease. Therefore, it has been classified as a Variant of Uncertain Significance.